The following is an entry in ClinVar:

ClinVar aggregate classification (germline): Uncertain significance (1 of 4 stars; one submission).

Conditions:
Brugada syndrome. Also called: Sudden unexpected nocturnal death syndrome; Sudden unexplained nocturnal death syndrome; Sudden Unexplained Death Syndrome; Sudden Unexplained Nocturnal Death Syndrome (SUNDS). Identifiers: Orphanet 130, MedGen C1142166, MONDO:0015263.

Submission:

Labcorp Genetics (formerly Invitae), Labcorp
Classification: Uncertain significance for Brugada syndrome. Last evaluated: 2025-10-15. Review status: criteria provided, single submitter. Criteria: Invitae Variant Classification Sherloc (09022015). Collection method: clinical testing. Allele origin: germline.
Comment: This sequence change falls in intron 5 of the SLMAP gene. It does not directly change the encoded amino acid sequence of the SLMAP protein. It affects a nucleotide within the consensus splice site. This variant is present in population databases (rs764952323, gnomAD 0.02%). This variant has not been reported in the literature in individuals affected with SLMAP-related conditions. Variants that disrupt the consensus splice site are a relatively common cause of aberrant splicing (PMID: 17576681, 9536098). Algorithms developed to predict the effect of sequence changes on RNA splicing suggest that this variant is not likely to affect RNA splicing. In summary, the available evidence is currently insufficient to determine the role of this variant in disease. Therefore, it has been classified as a Variant of Uncertain Significance.

Literature cited by the submitters: PubMed 17576681; PubMed 9536098.

NM_001377540.1(SLMAP):c.519+5A>G

Gene: SLMAP (sarcolemma associated protein; plus strand). Cytogenetic location: 3p14.3.
Variant type: single nucleotide variant.
Coding change: c.519+5A>G on transcript NM_001377540.1 (MANE Select); 5 bases into the intron after coding-DNA position 519, A replaced by G.
Molecular consequence: intron variant.
Genome position (GRCh38, 1-based): chr3:57,849,821, A>G. VCF-style: chr3-57849821-A-G. GRCh37 (hg19) VCF-style: chr3-57835548-A-G.
Other names: c.519+5A>G (NM_001304421.2, NM_001377538.1, NM_001377539.1 and 17 more transcripts).
Identifiers: ClinVar variation 4750223 (VCV004750223.1).